The following is an entry in ClinVar:

NM_000229.2(LCAT):c.160G>A (p.Gly54Ser)

Gene: LCAT (lecithin-cholesterol acyltransferase; minus strand). Cytogenetic location: 16q22.1.
Variant type: single nucleotide variant.
Coding change: c.160G>A on transcript NM_000229.2 (MANE Select); coding-DNA position 160, G replaced by A.
Protein change: p.Gly54Ser; replaces glycine 54 with serine.
Molecular consequence: missense variant.
Genome position (GRCh38, 1-based): chr16:67,943,207, C>T on the plus strand (G>A on the coding strand, the complement: LCAT is on the minus strand). VCF-style: chr16-67943207-C-T. GRCh37 (hg19) VCF-style: chr16-67977110-C-T.
Other names: short protein forms G54S.
Identifiers: ClinVar variation 2631093 (VCV002631093.4), dbSNP rs1461145750, ClinGen allele CA396382229.

ClinVar aggregate classification (germline): Likely pathogenic. Review status: criteria provided, multiple submitters, no conflicts (2 of 4 stars). 2 submissions from 2 submitters: Likely pathogenic (2). Last evaluated 2024-01-16.

Conditions:
LCAT-related disorder. Also called: LCAT-related condition.

Allele frequency attached by ClinVar (database versions not stated): gnomAD exomes below 0.00001.
gnomAD v4.1: 7 of 1,612,962 alleles (0.00043%); highest among the groups gnomAD compares: Non-Finnish European, 0.00051%; no homozygotes.

Submissions (2):

Labcorp Genetics (formerly Invitae), Labcorp
Classification: Likely pathogenic. Last evaluated: 2024-01-16. Review status: criteria provided, single submitter. Criteria: Invitae Variant Classification Sherloc (09022015). Collection method: clinical testing. Allele origin: germline.
Comment: This sequence change replaces glycine, which is neutral and non-polar, with serine, which is neutral and polar, at codon 54 of the LCAT protein (p.Gly54Ser). This variant is present in population databases (no rsID available, gnomAD 0.002%). This missense change has been observed in individual(s) with Lecithin cholesterol acyltransferase deficiency (PMID: 8807342, 9101439). This variant is also known as Gly30Ser. ClinVar contains an entry for this variant (Variation ID: 2631093). Advanced modeling of protein sequence and biophysical properties (such as structural, functional, and spatial information, amino acid conservation, physicochemical variation, residue mobility, and thermodynamic stability) performed at Invitae indicates that this missense variant is expected to disrupt LCAT protein function with a positive predictive value of 80%. In summary, the currently available evidence indicates that the variant is pathogenic, but additional data are needed to prove that conclusively. Therefore, this variant has been classified as Likely Pathogenic.

PreventionGenetics, part of Exact Sciences
Classification: Likely pathogenic for LCAT-related condition. Last evaluated: 2023-09-06. Review status: criteria provided, single submitter. Criteria: ACMG Guidelines, 2015. Collection method: clinical testing. Allele origin: germline.
Comment: The LCAT c.160G>A variant is predicted to result in the amino acid substitution p.Gly54Ser. This variant has been reported in the homozygous and compound heterozygous states in patients with lecithin-cholesterol acyltransferase deficiency, and functional studies show that it abolishes plasma LCAT activity in the homozygous state (Owen et al. 1996. PubMed ID: 8807342; alternate nomenclature p.Gly30Ser; Mehta et al. 2021. PubMed ID: 34256778). This variant is reported in 0.0018% of alleles in individuals of European (Non-Finnish) descent in gnomAD. This variant is interpreted as likely pathogenic.

Literature cited by the submitters: PubMed 8807342 (cited by Labcorp Genetics (formerly Invitae), Labcorp); PubMed 9101439 (cited by Labcorp Genetics (formerly Invitae), Labcorp).